The following is an entry in ClinVar:

ClinVar aggregate classification (germline): Uncertain significance. Review status: criteria provided, multiple submitters, no conflicts (2 of 4 stars). 2 submissions from 2 submitters: Uncertain significance (2). Last evaluated 2025-08-23.

Conditions:
CACNA1B-related disorder. Also called: CACNA1B-related condition.

gnomAD v4.1: 8 of 1,091,838 alleles (0.00073%); highest among the groups gnomAD compares: Non-Finnish European, 0.0009%; no homozygotes.

Submissions (2):

Ambry Genetics
Classification: Uncertain significance. Last evaluated: 2025-08-23. Review status: criteria provided, single submitter. Criteria: Ambry Variant Classification Scheme 2023. Collection method: clinical testing. Allele origin: germline.

PreventionGenetics, part of Exact Sciences
Classification: Uncertain significance for CACNA1B-related condition. Last evaluated: 2025-01-21. Review status: criteria provided, single submitter. Criteria: ACMG Guidelines, 2015. Collection method: clinical testing. Allele origin: germline.
Comment: The CACNA1B c.2828C>T variant is predicted to result in the amino acid substitution p.Pro943Leu. To our knowledge, this variant has not been reported in the literature or in a large population database (gnomAD), indicating this variant is rare. At this time, the clinical significance of this variant is uncertain due to the absence of conclusive functional and genetic evidence.

NM_000718.4(CACNA1B):c.2828C>T (p.Pro943Leu)

Gene: CACNA1B (calcium voltage-gated channel subunit alpha1 B; plus strand). Cytogenetic location: 9q34.3.
Variant type: single nucleotide variant.
Coding change: c.2828C>T on transcript NM_000718.4 (MANE Select); coding-DNA position 2828, C replaced by T.
Protein change: p.Pro943Leu; replaces proline 943 with leucine.
Molecular consequence: missense variant.
Genome position (GRCh38, 1-based): chr9:138,023,571, C>T. VCF-style: chr9-138023571-C-T. GRCh37 (hg19) VCF-style: chr9-140918023-C-T.
Other names: c.2828C>T, p.Pro943Leu (NM_001243812.2); short protein forms P943L.
Identifiers: ClinVar variation 4217762 (VCV004217762.2).